The following is an entry in ClinVar:

NM_004380.3(CREBBP):c.6959T>C (p.Met2320Thr)

Gene: CREBBP (CREB binding lysine acetyltransferase; minus strand). Cytogenetic location: 16p13.3.
Variant type: single nucleotide variant.
Coding change: c.6959T>C on transcript NM_004380.3 (MANE Select); coding-DNA position 6959, T replaced by C.
Protein change: p.Met2320Thr; replaces methionine 2320 with threonine.
Molecular consequence: missense variant.
Genome position (GRCh38, 1-based): chr16:3,728,088, A>G on the plus strand (T>C on the coding strand, the complement: CREBBP is on the minus strand). VCF-style: chr16-3728088-A-G. GRCh37 (hg19) VCF-style: chr16-3778089-A-G.
Other names: c.6845T>C, p.Met2282Thr (NM_001079846.1); c.6959T>C (NM_004380.2); short protein forms M2320T, M2282T.
Identifiers: ClinVar variation 2756692 (VCV002756692.4), dbSNP rs2151300201, ClinGen allele CA394551052.

ClinVar aggregate classification (germline): Uncertain significance. Review status: criteria provided, multiple submitters, no conflicts (2 of 4 stars). 2 submissions from 2 submitters: Uncertain significance (2). Last evaluated 2025-06-19.

Conditions:
CREBBP-related disorder. Also called: CREBBP-related disorders; CREBBP-related condition.
Rubinstein-Taybi syndrome (RSTS). Identifiers: Orphanet 783, MedGen C0035934, MONDO:0019188.

Submissions (2):

PreventionGenetics, part of Exact Sciences
Classification: Uncertain significance for CREBBP-related condition. Last evaluated: 2025-06-19. Review status: criteria provided, single submitter. Criteria: ACMG Guidelines, 2015. Collection method: clinical testing. Allele origin: germline.
Comment: The CREBBP c.6959T>C variant is predicted to result in the amino acid substitution p.Met2320Thr. To our knowledge, this variant has not been reported in the literature or in a large population database (gnomAD), indicating this variant is rare. At this time, the clinical significance of this variant is uncertain due to the absence of conclusive functional and genetic evidence.

Labcorp Genetics (formerly Invitae), Labcorp
Classification: Uncertain significance for Rubinstein-Taybi syndrome. Last evaluated: 2023-11-20. Review status: criteria provided, single submitter. Criteria: Invitae Variant Classification Sherloc (09022015). Collection method: clinical testing. Allele origin: germline.
Comment: This sequence change replaces methionine, which is neutral and non-polar, with threonine, which is neutral and polar, at codon 2320 of the CREBBP protein (p.Met2320Thr). This variant is not present in population databases (gnomAD no frequency). This variant has not been reported in the literature in individuals affected with CREBBP-related conditions. Advanced modeling of protein sequence and biophysical properties (such as structural, functional, and spatial information, amino acid conservation, physicochemical variation, residue mobility, and thermodynamic stability) has been performed at Invitae for this missense variant, however the output from this modeling did not meet the statistical confidence thresholds required to predict the impact of this variant on CREBBP protein function. In summary, the available evidence is currently insufficient to determine the role of this variant in disease. Therefore, it has been classified as a Variant of Uncertain Significance.